The following is an entry in ClinVar:

NM_001369268.1(ACAN):c.569C>T (p.Ala190Val)

Gene: ACAN (aggrecan; plus strand). Cytogenetic location: 15q26.1.
Variant type: single nucleotide variant.
Coding change: c.569C>T on transcript NM_001369268.1 (MANE Select); coding-DNA position 569, C replaced by T.
Protein change: p.Ala190Val; replaces alanine 190 with valine.
Molecular consequence: missense variant.
Genome position (GRCh38, 1-based): chr15:88,840,126, C>T. VCF-style: chr15-88840126-C-T. GRCh37 (hg19) VCF-style: chr15-89383357-C-T.
Other names: c.569C>T, p.Ala190Val (NM_001135.4, NM_001411096.1, NM_001411097.1 and 1 more transcripts); short protein forms A190V.
Identifiers: ClinVar variation 2985774 (VCV002985774.3), dbSNP rs2505230955, ClinGen allele CA393717123.

ClinVar aggregate classification (germline): Uncertain significance (1 of 4 stars; one submission).

Submission:

Labcorp Genetics (formerly Invitae), Labcorp
Classification: Uncertain significance. Last evaluated: 2023-10-11. Review status: criteria provided, single submitter. Criteria: Invitae Variant Classification Sherloc (09022015). Collection method: clinical testing. Allele origin: germline.
Comment: This sequence change replaces alanine, which is neutral and non-polar, with valine, which is neutral and non-polar, at codon 190 of the ACAN protein (p.Ala190Val). This variant is not present in population databases (gnomAD no frequency). This variant has not been reported in the literature in individuals affected with ACAN-related conditions. Advanced modeling of protein sequence and biophysical properties (such as structural, functional, and spatial information, amino acid conservation, physicochemical variation, residue mobility, and thermodynamic stability) performed at Invitae indicates that this missense variant is not expected to disrupt ACAN protein function. In summary, the available evidence is currently insufficient to determine the role of this variant in disease. Therefore, it has been classified as a Variant of Uncertain Significance.